The following is an entry in ClinVar:

ClinVar aggregate classification (germline): Pathogenic (1 of 4 stars; one submission).

Conditions:
Marfan syndrome (MFS). Also called: FBN1-Related Marfan Syndrome; MARFAN SYNDROME, TYPE I; Marfan syndrome type 1; Marfan's syndrome; Marfan syndrome, classic. Identifiers: Orphanet 284963, Orphanet 558, MedGen C0024796, MONDO:0007947, OMIM 154700.
Familial thoracic aortic aneurysm and aortic dissection (TAAD). Also called: Thoracic aortic aneurysms and dissections. Identifiers: Orphanet 91387, MedGen C4707243, MONDO:0019625.

Submission:

Labcorp Genetics (formerly Invitae), Labcorp
Classification: Pathogenic for Marfan syndrome; Familial thoracic aortic aneurysm and aortic dissection. Last evaluated: 2025-12-15. Review status: criteria provided, single submitter. Criteria: Invitae Variant Classification Sherloc (09022015). Collection method: clinical testing. Allele origin: germline.
Comment: This sequence change creates a premature translational stop signal (p.Cys1534*) in the FBN1 gene. It is expected to result in an absent or disrupted protein product. Loss-of-function variants in FBN1 are known to be pathogenic (PMID: 17657824, 19293843). This variant is not present in population databases (gnomAD no frequency). This premature translational stop signal has been observed in individual(s) with Marfan syndrome (PMID: 18435798). For these reasons, this variant has been classified as Pathogenic.

Literature cited by the submitters: PubMed 17657824; PubMed 19293843; PubMed 18435798.

NM_000138.5(FBN1):c.4602C>A (p.Cys1534Ter)

Gene: FBN1 (fibrillin 1; minus strand). Cytogenetic location: 15q21.1.
Variant type: single nucleotide variant.
Coding change: c.4602C>A on transcript NM_000138.5 (MANE Select); coding-DNA position 4602, C replaced by A.
Protein change: p.Cys1534Ter; replaces cysteine 1534 with a stop codon.
Molecular consequence: nonsense.
Genome position (GRCh38, 1-based): chr15:48,468,083, G>T on the plus strand (C>A on the coding strand, the complement: FBN1 is on the minus strand). VCF-style: chr15-48468083-G-T. GRCh37 (hg19) VCF-style: chr15-48760280-G-T.
Other names: c.4602C>A, p.Cys1534Ter (NM_001406716.1); short protein forms C1534*.
Identifiers: ClinVar variation 4783795 (VCV004783795.1).